The following is an entry in ClinVar:

NM_001197104.2(KMT2A):c.943C>G (p.Pro315Ala)

Gene: KMT2A (lysine methyltransferase 2A; plus strand). Cytogenetic location: 11q23.3.
Variant type: single nucleotide variant.
Coding change: c.943C>G on transcript NM_001197104.2 (MANE Select); coding-DNA position 943, C replaced by G.
Protein change: p.Pro315Ala; replaces proline 315 with alanine.
Molecular consequence: missense variant.
Genome position (GRCh38, 1-based): chr11:118,472,102, C>G. VCF-style: chr11-118472102-C-G. GRCh37 (hg19) VCF-style: chr11-118342817-C-G.
Other names: c.1042C>G, p.Pro348Ala (NM_001412597.1); c.943C>G, p.Pro315Ala (NM_005933.4); short protein forms P315A, P348A.
Identifiers: ClinVar variation 4885640 (VCV004885640.2).

ClinVar aggregate classification (germline): Uncertain significance (1 of 4 stars; one submission).

gnomAD v4.1: 2 of 1,614,008 alleles (0.00012%); highest among the groups gnomAD compares: Non-Finnish European, 0.00017%; no homozygotes.

Submission:

Dasa
Classification: Uncertain significance. Last evaluated: 2026-01-02. Review status: criteria provided, single submitter. Criteria: DASA Assertion Criteria. Collection method: clinical testing. Allele origin: germline.
Comment: NM_001197104.2(KMT2A):c.943C>G (p.Pro315Ala) is a missense variant that results in the substitution of proline with alanine. This variant is rare in population databases. Computational prediction algorithms are consistent with a benign effect. The currently available literature and clinical evidence are not sufficient to establish a definitive association between this variant and the reported condition. Therefore, this variant is classified as a variant of uncertain significance.